The following is an entry in ClinVar:

NM_013275.6(ANKRD11):c.2944G>C (p.Glu982Gln)

Gene: ANKRD11 (ankyrin repeat domain 11; minus strand). Cytogenetic location: 16q24.3.
Variant type: single nucleotide variant.
Coding change: c.2944G>C on transcript NM_013275.6 (MANE Select); coding-DNA position 2944, G replaced by C.
Protein change: p.Glu982Gln; replaces glutamic acid 982 with glutamine.
Molecular consequence: missense variant.
Genome position (GRCh38, 1-based): chr16:89,283,598, C>G on the plus strand (G>C on the coding strand, the complement: ANKRD11 is on the minus strand). VCF-style: chr16-89283598-C-G. GRCh37 (hg19) VCF-style: chr16-89350006-C-G.
Other names: c.2944G>C, p.Glu982Gln (NM_001256182.2, NM_001256183.2); c.2944G>C (NM_013275.5); short protein forms E982Q.
Identifiers: ClinVar variation 2545198 (VCV002545198.6), dbSNP rs779463117, ClinGen allele CA8242468.
Genomic context (GRCh38, chr16:89,283,598, plus strand): 5'-GTTCCCACGGCTCCAGGCCCTTCCCAAAGTCGCCGTCGGACTTGTCCTTGAAGCCACTCT[C>G]GCAGCCACACTCCTTCAGCTCCTCCCGGTGCGCCTCCTCGGGCTTGGCCCTGCCGTCCCT-3'
Protein context (NP_037407.4, residues 972-992): HREELKECGC[Glu982Gln]SGFKDKSDGD

ClinVar aggregate classification (germline): Benign/Likely benign. Review status: criteria provided, multiple submitters, no conflicts (2 of 4 stars). 3 submissions from 3 submitters: Benign (1); Likely benign (1). 1 of the submissions does not count toward it. Last evaluated 2024-10-22.

Conditions:
KBG syndrome (KBGS). Also called: ANKRD11-Related KBG Syndrome. Identifiers: Orphanet 2332, MedGen C0220687, MONDO:0007846, OMIM 148050.
Inborn genetic diseases. Identifiers: MedGen C0950123, MeSH D030342.
ANKRD11-related disorder. Also called: ANKRD11-related condition.

Allele frequency attached by ClinVar (database versions not stated): TOPMed 0.00003; gnomAD 0.00004; ExAC 0.00009.
gnomAD v4.1: 22 of 1,609,906 alleles (0.0014%); highest among the groups gnomAD compares: East Asian, 0.047%; no homozygotes.

Submissions (3):

Labcorp Genetics (formerly Invitae), Labcorp
Classification: Benign for KBG syndrome. Last evaluated: 2024-10-22. Review status: criteria provided, single submitter. Criteria: Invitae Variant Classification Sherloc (09022015). Collection method: clinical testing. Allele origin: germline.

Ambry Genetics
Classification: Likely benign for Inborn genetic diseases. Last evaluated: 2023-03-17. Review status: criteria provided, single submitter. Criteria: Ambry Variant Classification Scheme 2023. Collection method: clinical testing. Allele origin: germline.

PreventionGenetics, part of Exact Sciences
Classification: Likely benign for ANKRD11-related condition. Last evaluated: 2021-02-09. Review status: no assertion criteria provided. Collection method: clinical testing. Allele origin: germline. Not counted in ClinVar's aggregate classification.
Comment: This variant is classified as likely benign based on ACMG/AMP sequence variant interpretation guidelines (Richards et al. 2015 PMID: 25741868, with internal and published modifications).